The following is an entry in ClinVar:

ClinVar aggregate classification (germline): Uncertain significance (1 of 4 stars; one submission).

Submission:

Labcorp Genetics (formerly Invitae), Labcorp
Classification: Uncertain significance. Last evaluated: 2025-08-23. Review status: criteria provided, single submitter. Criteria: Invitae Variant Classification Sherloc (09022015). Collection method: clinical testing. Allele origin: germline.
Comment: This sequence change replaces threonine, which is neutral and polar, with alanine, which is neutral and non-polar, at codon 517 of the SLC26A3 protein (p.Thr517Ala). This variant is not present in population databases (gnomAD no frequency). This variant has not been reported in the literature in individuals affected with SLC26A3-related conditions. Invitae Evidence Modeling of protein sequence and biophysical properties (such as structural, functional, and spatial information, amino acid conservation, physicochemical variation, residue mobility, and thermodynamic stability) indicates that this missense variant is expected to disrupt SLC26A3 protein function with a positive predictive value of 80%. In summary, the available evidence is currently insufficient to determine the role of this variant in disease. Therefore, it has been classified as a Variant of Uncertain Significance.

NM_000111.3(SLC26A3):c.1549A>G (p.Thr517Ala)

Gene: SLC26A3 (solute carrier family 26 member 3; minus strand). Cytogenetic location: 7q22.3.
Variant type: single nucleotide variant.
Coding change: c.1549A>G on transcript NM_000111.3 (MANE Select); coding-DNA position 1549, A replaced by G.
Protein change: p.Thr517Ala; replaces threonine 517 with alanine.
Molecular consequence: missense variant.
Genome position (GRCh38, 1-based): chr7:107,776,672, T>C on the plus strand (A>G on the coding strand, the complement: SLC26A3 is on the minus strand). VCF-style: chr7-107776672-T-C. GRCh37 (hg19) VCF-style: chr7-107417117-T-C.
Other names: short protein forms T517A.
Identifiers: ClinVar variation 4730673 (VCV004730673.1).
Genomic context (GRCh38, chr7:107,776,672, plus strand): 5'-AAAGAAAAACATGAATCTCCCTTACATCATAATAATCTTTTTTATTCTTATAGATGTTGG[T>C]TCTTCCAATATTAGCCAGCGTGCTGCATTTTGGACTGTAGGGAGAAAAACACCAAGTAAA-3'
Protein context (NP_000102.1, residues 507-527): KCSTLANIGR[Thr517Ala]NIYKNKKDYY